The following is an entry in ClinVar:

ClinVar aggregate classification (germline): Uncertain significance. Review status: criteria provided, multiple submitters, no conflicts (2 of 4 stars). 2 submissions from 2 submitters: Uncertain significance (2). Last evaluated 2026-05-28.

Conditions:
Inborn genetic diseases. Identifiers: MedGen C0950123, MeSH D030342.

gnomAD v4.1: 22 of 1,613,922 alleles (0.0014%); highest among the groups gnomAD compares: South Asian, 0.0033%; no homozygotes.

Submissions (2):

Women's Health and Genetics/Laboratory Corporation of America, LabCorp
Classification: Uncertain significance. Last evaluated: 2026-05-28. Review status: criteria provided, single submitter. Criteria: LabCorp Variant Classification Summary - May 2015. Collection method: clinical testing. Allele origin: germline.
Comment: Variant summary: DAG1 c.2636G>A (p.Arg879His) results in a non-conservative amino acid change in the encoded protein sequence. Algorithms developed to predict the effect of missense changes on protein structure and function are either unavailable or do not agree on the potential impact of this missense change. The variant allele was found at a frequency of 5.6e-05 in 251084 control chromosomes. This frequency is not significantly higher than estimated for disease-causing variants in DAG1, allowing no conclusion about variant significance. To our knowledge, no occurrence of c.2636G>A in individuals affected with DAG1-related conditions and no experimental evidence demonstrating its impact on protein function have been reported. ClinVar contains an entry for this variant (Variation ID: 4237476). Based on the evidence outlined above, the variant was classified as uncertain significance.

Ambry Genetics
Classification: Uncertain significance for Inborn genetic diseases. Last evaluated: 2025-07-31. Review status: criteria provided, single submitter. Criteria: Ambry Variant Classification Scheme 2023. Collection method: clinical testing. Allele origin: germline.

NM_004393.6(DAG1):c.2636G>A (p.Arg879His)

Gene: DAG1 (dystroglycan 1; plus strand). Cytogenetic location: 3p21.31.
Variant type: single nucleotide variant.
Coding change: c.2636G>A on transcript NM_004393.6 (MANE Select); coding-DNA position 2636, G replaced by A.
Protein change: p.Arg879His; replaces arginine 879 with histidine.
Molecular consequence: missense variant.
Genome position (GRCh38, 1-based): chr3:49,533,147, G>A. VCF-style: chr3-49533147-G-A. GRCh37 (hg19) VCF-style: chr3-49570580-G-A.
Other names: c.2636G>A, p.Arg879His (NM_001165928.4, NM_001177634.3, NM_001177635.3 and 18 more transcripts); short protein forms R879H.
Identifiers: ClinVar variation 4237476 (VCV004237476.2).
Genomic context (GRCh38, chr3:49,533,147, plus strand): 5'-ATGCGCCTCCCTACCAGCCCCCACCGCCCTTCACAGCACCCATGGAGGGCAAGGGCTCCC[G>A]TCCCAAGAACATGACCCCATACCGGTCACCTCCTCCCTATGTCCCACCTTAACCCGCAAG-3'
Protein context (NP_004384.5, residues 869-889): FTAPMEGKGS[Arg879His]PKNMTPYRSP